The following is an entry in ClinVar:

ClinVar aggregate classification (germline): Pathogenic (1 of 4 stars; one submission).

Conditions:
Hereditary spastic paraplegia 11. Also called: Spastic Paraplegia 11; Nakamura Osame syndrome; Autosomal recessive hereditary spastic paraplegia, mental impairment, and thin corpus callosum; SPASTIC PARAPLEGIA, AUTOSOMAL RECESSIVE, COMPLICATED, WITH THIN CORPUS CALLOSUM; SPASTIC PARAPLEGIA, AUTOSOMAL RECESSIVE, WITH MENTAL IMPAIRMENT AND THIN CORPUS CALLOSUM; Spastic paraplegia, mental retardation and thin corpus callosum. Identifiers: Orphanet 2822, MedGen C1858479, MONDO:0011445, OMIM 604360.

Allele frequency attached by ClinVar (database versions not stated): gnomAD exomes below 0.00001; ExAC 0.00001; gnomAD 0.00003.
gnomAD v4.1: 6 of 1,613,928 alleles (0.00037%); highest among the groups gnomAD compares: African/African-American, 0.008%; no homozygotes.

Submission:

Labcorp Genetics (formerly Invitae), Labcorp
Classification: Pathogenic for Hereditary spastic paraplegia 11. Last evaluated: 2024-04-15. Review status: criteria provided, single submitter. Criteria: Invitae Variant Classification Sherloc (09022015). Collection method: clinical testing. Allele origin: germline.
Comment: This sequence change creates a premature translational stop signal (p.Gln972*) in the SPG11 gene. It is expected to result in an absent or disrupted protein product. Loss-of-function variants in SPG11 are known to be pathogenic (PMID: 19105190, 20110243, 22154821, 26556829). This variant is present in population databases (rs780692790, gnomAD 0.01%). This variant has not been reported in the literature in individuals affected with SPG11-related conditions. For these reasons, this variant has been classified as Pathogenic.

Literature cited by the submitters: PubMed 19105190; PubMed 20110243; PubMed 22154821; PubMed 26556829.

NM_025137.4(SPG11):c.2914C>T (p.Gln972Ter)

Gene: SPG11 (SPG11 vesicle trafficking associated, spatacsin; minus strand). Cytogenetic location: 15q21.1.
Variant type: single nucleotide variant.
Coding change: c.2914C>T on transcript NM_025137.4 (MANE Select); coding-DNA position 2914, C replaced by T.
Protein change: p.Gln972Ter; replaces glutamine 972 with a stop codon.
Molecular consequence: nonsense.
Genome position (GRCh38, 1-based): chr15:44,615,487, G>A on the plus strand (C>T on the coding strand, the complement: SPG11 is on the minus strand). VCF-style: chr15-44615487-G-A. GRCh37 (hg19) VCF-style: chr15-44907685-G-A.
Other names: c.2914C>T, p.Gln972Ter (NM_001160227.2, NM_001411132.1); short protein forms Q972*.
Identifiers: ClinVar variation 2728779 (VCV002728779.3), dbSNP rs780692790, ClinGen allele CA7535105.